The following is an entry in ClinVar:

ClinVar aggregate classification (germline): Uncertain significance (1 of 4 stars; one submission).

Conditions:
EGFR-related lung cancer (EGFR). Identifiers: MedGen CN130014.

Submission:

Labcorp Genetics (formerly Invitae), Labcorp
Classification: Uncertain significance for EGFR-related lung cancer. Last evaluated: 2025-01-19. Review status: criteria provided, single submitter. Criteria: Invitae Variant Classification Sherloc (09022015). Collection method: clinical testing. Allele origin: germline.
Comment: This sequence change replaces threonine, which is neutral and polar, with isoleucine, which is neutral and non-polar, at codon 903 of the EGFR protein (p.Thr903Ile). This variant is not present in population databases (gnomAD no frequency). This variant has not been reported in the literature in individuals affected with EGFR-related conditions. Experimental studies and prediction algorithms are not available or were not evaluated, and the functional significance of this variant is currently unknown. In summary, the available evidence is currently insufficient to determine the role of this variant in disease. Therefore, it has been classified as a Variant of Uncertain Significance.

NM_005228.5(EGFR):c.2708_2709delinsTC (p.Thr903Ile)

Gene: EGFR (epidermal growth factor receptor; plus strand). Cytogenetic location: 7p11.2.
Variant type: Indel.
Coding change: c.2708_2709delinsTC on transcript NM_005228.5 (MANE Select); coding-DNA positions 2708 to 2709, CT replaced by TC.
Protein change: p.Thr903Ile; replaces threonine 903 with isoleucine.
Molecular consequence: missense variant.
Genome position (GRCh38, 1-based): chr7:55,198,723-55,198,724, CT replaced by TC. VCF-style: chr7-55198723-CT-TC. GRCh37 (hg19) VCF-style: chr7-55266416-CT-TC.
Other names: c.2573_2574delinsTC, p.Thr858Ile (NM_001346897.2, NM_001346899.2); c.2708_2709delinsTC, p.Thr903Ile (NM_001346898.2); c.2549_2550delinsTC, p.Thr850Ile (NM_001346900.2); c.1907_1908delinsTC, p.Thr636Ile (NM_001346941.2); short protein forms T636I, T850I, T903I, T858I.
Identifiers: ClinVar variation 3683696 (VCV003683696.2).
Genomic context (GRCh38, chr7:55,198,723, plus strand): 5'-TGTGATTGTTCATTCATGATCCCACTGCCTTCTTTTCTTGCTTCATCCTCTCAGGGGTGA[CT>TC]GTTTGGGAGTTGATGACCTTTGGATCCAAGCCATATGACGGAATCCCTGCCAGCGAGATC-3'
Protein context (NP_005219.2, residues 893-913): HQSDVWSYGV[Thr903Ile]VWELMTFGSK